The following is an entry in ClinVar:

NM_001035.3(RYR2):c.6090_6092delinsTTT (p.Ser2031Phe)

Gene: RYR2 (ryanodine receptor 2; plus strand). Cytogenetic location: 1q43.
Variant type: Indel.
Coding change: c.6090_6092delinsTTT on transcript NM_001035.3 (MANE Select); coding-DNA positions 6090 to 6092, ATC replaced by TTT.
Protein change: p.Ser2031Phe; replaces serine 2031 with phenylalanine.
Molecular consequence: missense variant.
Genome position (GRCh38, 1-based): chr1:237,625,728-237,625,730, ATC replaced by TTT. VCF-style: chr1-237625728-ATC-TTT. GRCh37 (hg19) VCF-style: chr1-237789028-ATC-TTT.
Other names: short protein forms S2031F.
Identifiers: ClinVar variation 921360 (VCV000921360.5), dbSNP rs1679575411, ClinGen allele CA1139656656.

ClinVar aggregate classification (germline): Uncertain significance (1 of 4 stars; one submission).

Conditions:
Cardiomyopathy (CMYO). Also called: Cardiomyopathies. Identifiers: Orphanet 167848, MedGen C0878544, MONDO:0004994, HP:0001638. Inheritance: Various modes of inheritance.

Submission:

Color Diagnostics, LLC DBA Color Health
Classification: Uncertain significance for Cardiomyopathy. Last evaluated: 2023-12-05. Review status: criteria provided, single submitter. Criteria: ACMG Guidelines, 2015. Collection method: clinical testing. Allele origin: germline.
Comment: This missense variant replaces serine with phenylalanine at codon 2031 of the RYR2 protein. Computational prediction tools and conservation analyses are inconclusive regarding the impact of this variant on the protein function. Computational splicing tools suggest that this variant may not impact RNA splicing. To our knowledge, functional assays have not been performed for this variant nor has this variant been reported in individuals affected with cardiovascular disorders in the literature. This variant has not been identified in the general population by the Genome Aggregation Database (gnomAD). Available evidence is insufficient to determine the role of this variant in disease conclusively. Therefore, this variant is classified as a Variant of Uncertain Significance.